The following is an entry in ClinVar:

ClinVar aggregate classification (germline): Uncertain significance (1 of 4 stars; one submission).

Conditions:
Cardiovascular phenotype. Identifiers: MedGen CN230736.
Hereditary cancer-predisposing syndrome. Also called: Hereditary Cancer Syndrome; Hereditary neoplastic syndrome; Neoplastic Syndromes, Hereditary; Tumor predisposition. Identifiers: Orphanet 140162, MedGen C0027672, MeSH D009386, MONDO:0015356.

Allele frequency attached by ClinVar (database versions not stated): gnomAD exomes below 0.00001.
gnomAD v4.1: 4 of 1,609,714 alleles (0.00025%); highest among the groups gnomAD compares: South Asian, 0.0044%; no homozygotes.

Submission:

Ambry Genetics
Classification: Uncertain significance for Cardiovascular phenotype; Hereditary cancer-predisposing syndrome. Last evaluated: 2021-11-15. Review status: criteria provided, single submitter. Criteria: Ambry Variant Classification Scheme 2023. Collection method: clinical testing. Allele origin: germline.
Comment: The p.E479K variant (also known as c.1435G>A), located in coding exon 13 of the LZTR1 gene, results from a G to A substitution at nucleotide position 1435. The glutamic acid at codon 479 is replaced by lysine, an amino acid with similar properties. This amino acid position is not well conserved in available vertebrate species. In addition, this alteration is predicted to be tolerated by in silico analysis. Since supporting evidence is limited at this time, the clinical significance of this alteration remains unclear.

NM_006767.4(LZTR1):c.1435G>A (p.Glu479Lys)

Gene: LZTR1 (leucine zipper like post translational regulator 1; plus strand). Cytogenetic location: 22q11.21.
Variant type: single nucleotide variant.
Coding change: c.1435G>A on transcript NM_006767.4 (MANE Select); coding-DNA position 1435, G replaced by A.
Protein change: p.Glu479Lys; replaces glutamic acid 479 with lysine.
Molecular consequence: missense variant.
Genome position (GRCh38, 1-based): chr22:20,994,005, G>A. VCF-style: chr22-20994005-G-A. GRCh37 (hg19) VCF-style: chr22-21348294-G-A.
Other names: short protein forms E479K.
Identifiers: ClinVar variation 1772602 (VCV001772602.2), dbSNP rs2147967112, ClinGen allele CA410775319.